The following is an entry in ClinVar:

NM_024741.3(ZNF408):c.1619G>A (p.Arg540Gln)

Gene: ZNF408 (zinc finger protein 408; plus strand). Cytogenetic location: 11p11.2.
Variant type: single nucleotide variant.
Coding change: c.1619G>A on transcript NM_024741.3 (MANE Select); coding-DNA position 1619, G replaced by A.
Protein change: p.Arg540Gln; replaces arginine 540 with glutamine.
Molecular consequence: missense variant.
Genome position (GRCh38, 1-based): chr11:46,705,319, G>A. VCF-style: chr11-46705319-G-A. GRCh37 (hg19) VCF-style: chr11-46726869-G-A.
Other names: c.1595G>A, p.Arg532Gln (NM_001184751.2); short protein forms R532Q, R540Q.
Identifiers: ClinVar variation 806657 (VCV000806657.49), dbSNP rs201135086, ClinGen allele CA5966612.

ClinVar aggregate classification (germline): Uncertain significance. Review status: criteria provided, multiple submitters, no conflicts (2 of 4 stars). 3 submissions from 3 submitters: Uncertain significance (3). Last evaluated 2024-07-13.

Allele frequency attached by ClinVar (database versions not stated): ExAC 0.00002; gnomAD 0.00004 and 0.00005; gnomAD exomes 0.00004 and 0.00006; TOPMed 0.00005; 1000 Genomes Project 30x 0.00016; 1000 Genomes Project 0.00020.
gnomAD v4.1: 98 of 1,611,780 alleles (0.0061%); highest among the groups gnomAD compares: Non-Finnish European, 0.0076%; no homozygotes.

Submissions (3):

Labcorp Genetics (formerly Invitae), Labcorp
Classification: Uncertain significance. Last evaluated: 2024-07-13. Review status: criteria provided, single submitter. Criteria: Invitae Variant Classification Sherloc (09022015). Collection method: clinical testing. Allele origin: germline.
Comment: This sequence change replaces arginine, which is basic and polar, with glutamine, which is neutral and polar, at codon 540 of the ZNF408 protein (p.Arg540Gln). This variant is present in population databases (rs201135086, gnomAD 0.008%). This variant has not been reported in the literature in individuals affected with ZNF408-related conditions. ClinVar contains an entry for this variant (Variation ID: 806657). An algorithm developed to predict the effect of missense changes on protein structure and function outputs the following: PolyPhen-2: "Probably Damaging". The glutamine amino acid residue is found in multiple mammalian species, which suggests that this missense change does not adversely affect protein function. In summary, the available evidence is currently insufficient to determine the role of this variant in disease. Therefore, it has been classified as a Variant of Uncertain Significance.

Blueprint Genetics
Classification: Uncertain significance. Last evaluated: 2024-04-11. Review status: criteria provided, single submitter. Criteria: ACMG Guidelines, 2015. Collection method: clinical testing. Allele origin: germline.

CeGaT Center for Human Genetics Tuebingen
Classification: Uncertain significance. Last evaluated: 2017-10-01. Review status: criteria provided, single submitter. Criteria: CeGaT Center For Human Genetics Tuebingen Variant Classification Criteria Version 2. Collection method: clinical testing. Allele origin: germline. Affected: yes. Observed: 1 variant allele.